The following is an entry in ClinVar:

NM_004963.4(GUCY2C):c.2077T>C (p.Phe693Leu)

Gene: GUCY2C (guanylate cyclase 2C; minus strand). Cytogenetic location: 12p12.3.
Variant type: single nucleotide variant.
Coding change: c.2077T>C on transcript NM_004963.4 (MANE Select); coding-DNA position 2077, T replaced by C.
Protein change: p.Phe693Leu; replaces phenylalanine 693 with leucine.
Molecular consequence: missense variant.
Genome position (GRCh38, 1-based): chr12:14,639,942, A>G on the plus strand (T>C on the coding strand, the complement: GUCY2C is on the minus strand). VCF-style: chr12-14639942-A-G. GRCh37 (hg19) VCF-style: chr12-14792876-A-G.
Other names: short protein forms F693L.
Identifiers: ClinVar variation 3523410 (VCV003523410.2).

ClinVar aggregate classification (germline): Uncertain significance. Review status: criteria provided, multiple submitters, no conflicts (2 of 4 stars). 2 submissions from 2 submitters: Uncertain significance (2). Last evaluated 2026-01-25.

Conditions:
Inborn genetic diseases. Identifiers: MedGen C0950123, MeSH D030342.

Submissions (2):

Labcorp Genetics (formerly Invitae), Labcorp
Classification: Uncertain significance. Last evaluated: 2026-01-25. Review status: criteria provided, single submitter. Criteria: Invitae Variant Classification Sherloc (09022015). Collection method: clinical testing. Allele origin: germline.
Comment: This sequence change replaces phenylalanine, which is neutral and non-polar, with leucine, which is neutral and non-polar, at codon 693 of the GUCY2C protein (p.Phe693Leu). This variant is not present in population databases (gnomAD no frequency). This variant has not been reported in the literature in individuals affected with GUCY2C-related conditions. ClinVar contains an entry for this variant (Variation ID: 3523410). Invitae Evidence Modeling of protein sequence and biophysical properties (such as structural, functional, and spatial information, amino acid conservation, physicochemical variation, residue mobility, and thermodynamic stability) indicates that this missense variant is not expected to disrupt GUCY2C protein function with a negative predictive value of 80%. In summary, the available evidence is currently insufficient to determine the role of this variant in disease. Therefore, it has been classified as a Variant of Uncertain Significance.

Ambry Genetics
Classification: Uncertain significance for Inborn genetic diseases. Last evaluated: 2024-11-14. Review status: criteria provided, single submitter. Criteria: Ambry Variant Classification Scheme 2023. Collection method: clinical testing. Allele origin: germline.